The following is an entry in ClinVar:

NM_206933.4(USH2A):c.9400C>T (p.Arg3134Trp)

Gene: USH2A (usherin; minus strand). Cytogenetic location: 1q41.
Variant type: single nucleotide variant.
Coding change: c.9400C>T on transcript NM_206933.4 (MANE Select); coding-DNA position 9400, C replaced by T.
Protein change: p.Arg3134Trp; replaces arginine 3134 with tryptophan.
Molecular consequence: missense variant.
Genome position (GRCh38, 1-based): chr1:215,817,167, G>A on the plus strand (C>T on the coding strand, the complement: USH2A is on the minus strand). VCF-style: chr1-215817167-G-A. GRCh37 (hg19) VCF-style: chr1-215990509-G-A.
Other names: short protein forms R3134W.
Identifiers: ClinVar variation 990783 (VCV000990783.4), dbSNP rs749482634, ClinGen allele CA1394319.

ClinVar aggregate classification (germline): Uncertain significance. Review status: criteria provided, single submitter (1 of 4 stars). 2 submissions from 2 submitters: Uncertain significance (1). 1 of the submissions does not count toward it. Last evaluated 2025-06-06.

Conditions:
Usher syndrome type 2A. Also called: RETINAL DISEASE IN USHER SYNDROME TYPE IIA, MODIFIER OF; USHER SYNDROME, TYPE IIA. Identifiers: Orphanet 231178, Orphanet 886, MedGen C1848634, MONDO:0010169, OMIM 276901.

Allele frequency attached by ClinVar (database versions not stated): gnomAD 0.00001; ExAC 0.00002; gnomAD exomes 0.00002; TOPMed 0.00002.
gnomAD v4.1: 18 of 1,612,120 alleles (0.0011%); highest among the groups gnomAD compares: Middle Eastern, 0.016%; no homozygotes.

Submissions (2):

Labcorp Genetics (formerly Invitae), Labcorp
Classification: Uncertain significance. Last evaluated: 2025-06-06. Review status: criteria provided, single submitter. Criteria: Invitae Variant Classification Sherloc (09022015). Collection method: clinical testing. Allele origin: germline.
Comment: This sequence change replaces arginine, which is basic and polar, with tryptophan, which is neutral and slightly polar, at codon 3134 of the USH2A protein (p.Arg3134Trp). This variant is present in population databases (rs749482634, gnomAD 0.006%). This variant has not been reported in the literature in individuals affected with USH2A-related conditions. ClinVar contains an entry for this variant (Variation ID: 990783). Invitae Evidence Modeling of protein sequence and biophysical properties (such as structural, functional, and spatial information, amino acid conservation, physicochemical variation, residue mobility, and thermodynamic stability) indicates that this missense variant is not expected to disrupt USH2A protein function with a negative predictive value of 95%. In summary, the available evidence is currently insufficient to determine the role of this variant in disease. Therefore, it has been classified as a Variant of Uncertain Significance.

Natera, Inc.
Classification: Uncertain significance for Usher syndrome type 2A. Last evaluated: 2020-05-12. Review status: no assertion criteria provided. Collection method: clinical testing. Allele origin: germline. Not counted in ClinVar's aggregate classification.